The following is an entry in ClinVar:

NM_001273.5(CHD4):c.571G>T (p.Ala191Ser)

Gene: CHD4 (chromodomain helicase DNA binding protein 4; minus strand). Cytogenetic location: 12p13.31.
Variant type: single nucleotide variant.
Coding change: c.571G>T on transcript NM_001273.5 (MANE Select); coding-DNA position 571, G replaced by T.
Protein change: p.Ala191Ser; replaces alanine 191 with serine.
Molecular consequence: missense variant.
Genome position (GRCh38, 1-based): chr12:6,601,517, C>A on the plus strand (G>T on the coding strand, the complement: CHD4 is on the minus strand). VCF-style: chr12-6601517-C-A. GRCh37 (hg19) VCF-style: chr12-6710683-C-A.
Other names: c.550G>T, p.Ala184Ser (NM_001297553.2); c.571G>T, p.Ala191Ser (NM_001363606.2); short protein forms A184S, A191S.
Identifiers: ClinVar variation 1049947 (VCV001049947.1), dbSNP rs2136224932, ClinGen allele CA383603570.

ClinVar aggregate classification (germline): Uncertain significance (0 of 4 stars; one submission).

Allele frequency attached by ClinVar (database versions not stated): gnomAD exomes below 0.00001.
gnomAD v4.1: 7 of 1,614,122 alleles (0.00043%); highest among the groups gnomAD compares: Non-Finnish European, 0.00025%; no homozygotes.

Submission:

Department of Pathology and Laboratory Medicine, Sinai Health System
Classification: Uncertain significance. Review status: no assertion criteria provided. Collection method: clinical testing. Allele origin: unknown. Affected: yes. Study: The Canadian Open Genetics Repository (COGR).
Comment: The CHD4 p.Ala191Ser variant was not identified in the literature nor was it identified in dbSNP, ClinVar, Cosmic, LOVD 3.0 or in the following control databases: the 1000 Genomes Project, the NHLBI GO Exome Sequencing Project, the Exome Aggregation Consortium (August 8th 2016), or the Genome Aggregation Database (Feb 27, 2017). The p.Ala191 residue is conserved in mammals and computational analyses (PolyPhen-2, SIFT, AlignGVGD, BLOSUM, MutationTaster) provide inconsistent predictions regarding the impact to the protein; this information is not very predictive of pathogenicity. The variant occurs outside of the splicing consensus sequence and in silico or computational prediction software programs (SpliceSiteFinder, MaxEntScan, NNSPLICE, GeneSplicer) do not predict a difference in splicing. In summary, based on the above information the clinical significance of this variant cannot be determined with certainty at this time. This variant is classified as a variant of uncertain significance.